The following is an entry in ClinVar:

NM_004429.5(EFNB1):c.830C>T (p.Ala277Val)

Gene: EFNB1 (ephrin B1; plus strand). Cytogenetic location: Xq13.1.
Variant type: single nucleotide variant.
Coding change: c.830C>T on transcript NM_004429.5 (MANE Select); coding-DNA position 830, C replaced by T.
Protein change: p.Ala277Val; replaces alanine 277 with valine.
Molecular consequence: missense variant.
Genome position (GRCh38, 1-based): chrX:68,840,443, C>T. VCF-style: chrX-68840443-C-T. GRCh37 (hg19) VCF-style: chrX-68060286-C-T.
Other names: short protein forms A277V.
Identifiers: ClinVar variation 1691035 (VCV001691035.2), dbSNP rs758554867, ClinGen allele CA10438244.

ClinVar aggregate classification (germline): Likely benign (1 of 4 stars; one submission).

Allele frequency attached by ClinVar (database versions not stated): gnomAD 0.00001; gnomAD exomes 0.00001 and 0.00003; ExAC 0.00004; 1000 Genomes Project 30x 0.00021; 1000 Genomes Project 0.00026.
gnomAD v4.1: 16 of 1,210,509 alleles (0.0013%); highest among the groups gnomAD compares: South Asian, 0.014%; no homozygotes.

Submission:

Laboratorio de Genetica e Diagnostico Molecular, Hospital Israelita Albert Einstein
Classification: Likely benign. Last evaluated: 2021-08-02. Review status: criteria provided, single submitter. Criteria: ACMG Guidelines, 2015. Collection method: clinical testing. Allele origin: germline. Affected: yes.
Comment: ACMG classification criteria: BS2, BP4